The following is an entry in ClinVar:

NM_152416.4(NDUFAF6):c.298-731A>G

Gene: NDUFAF6 (NADH:ubiquinone oxidoreductase complex assembly factor 6; plus strand). Cytogenetic location: 8q22.1.
Variant type: single nucleotide variant.
Coding change: c.298-731A>G on transcript NM_152416.4 (MANE Select); 731 bases into the intron before coding-DNA position 298, A replaced by G.
Molecular consequence: intron variant. On other transcripts: 5 prime UTR variant (2).
Genome position (GRCh38, 1-based): chr8:95,034,723, A>G. VCF-style: chr8-95034723-A-G. GRCh37 (hg19) VCF-style: chr8-96046951-A-G.
Other names: c.-284A>G (NM_001354530.2, NM_001354532.2); c.-36-731A>G (NM_001354534.2, NM_001354517.2); c.22-731A>G (NM_001354514.2, NM_001354515.2, NM_001330582.2 and 1 more transcripts); c.-352-731A>G (NM_001354525.2, NM_001354524.2, NM_001354533.2); c.-283-731A>G (NM_001354522.2, NM_001354529.2); c.142-731A>G (NM_001354516.2); c.-353+601A>G (NM_001354528.2); c.-382+601A>G (NM_001354527.2); and 2 more.
Identifiers: ClinVar variation 681230 (VCV000681230.2), dbSNP rs74395342, ClinGen allele CA12816692.

ClinVar aggregate classification (germline): Benign. Review status: criteria provided, multiple submitters, no conflicts (2 of 4 stars). 2 submissions from 2 submitters: Benign (2). Last evaluated 2018-06-14.

Allele frequency attached by ClinVar (database versions not stated): 1000 Genomes Project 0.09605; 1000 Genomes Project 30x 0.09635; TOPMed 0.11616; gnomAD exomes 0.11765; gnomAD 0.12255 and 0.12261.
gnomAD v4.1: 18,620 of 152,328 alleles (12%); highest among the groups gnomAD compares: Middle Eastern, 23%; 1,217 homozygotes.

Submissions (2):

GeneDx
Classification: Benign. Last evaluated: 2018-06-14. Review status: criteria provided, single submitter. Criteria: GeneDx Variant Classification (06012015). Collection method: clinical testing. Allele origin: germline. Affected: yes.
Comment: This variant is considered likely benign or benign based on one or more of the following criteria: it is a conservative change, it occurs at a poorly conserved position in the protein, it is predicted to be benign by multiple in silico algorithms, and/or has population frequency not consistent with disease.

Breakthrough Genomics
Classification: Benign. Review status: criteria provided, single submitter. Criteria: ACMG Guidelines, 2015. Collection method: not provided. Allele origin: germline. Inheritance: Autosomal recessive inheritance. Affected: yes.